The following is an entry in ClinVar:

ClinVar aggregate classification (germline): Uncertain significance (1 of 4 stars; one submission).

Conditions:
Pityriasis rubra pilaris (PRP). Also called: Pityriasis rubra pilaris--familial type. Identifiers: Orphanet 2897, MedGen C0032027, MONDO:0100017, OMIM 173200, MONDO:0008251.
Psoriasis 2. Identifiers: MedGen C1864497, MONDO:0011269, OMIM 602723.

Allele frequency attached by ClinVar (database versions not stated): gnomAD exomes 0.00001; gnomAD 0.00007 and 0.00009; TOPMed 0.00007; ExAC 0.00011.
gnomAD v4.1: 19 of 1,547,454 alleles (0.0012%); highest among the groups gnomAD compares: African/African-American, 0.019%; no homozygotes.

Submission:

Labcorp Genetics (formerly Invitae), Labcorp
Classification: Uncertain significance for Pityriasis rubra pilaris; Psoriasis 2. Last evaluated: 2025-07-15. Review status: criteria provided, single submitter. Criteria: Invitae Variant Classification Sherloc (09022015). Collection method: clinical testing. Allele origin: germline.
Comment: This sequence change replaces glutamic acid, which is acidic and polar, with glutamine, which is neutral and polar, at codon 946 of the CARD14 protein (p.Glu946Gln). This variant is present in population databases (rs752281368, gnomAD 0.03%). This variant has not been reported in the literature in individuals affected with CARD14-related conditions. ClinVar contains an entry for this variant (Variation ID: 1484126). Invitae Evidence Modeling of protein sequence and biophysical properties (such as structural, functional, and spatial information, amino acid conservation, physicochemical variation, residue mobility, and thermodynamic stability) has been performed for this missense variant. However, the output from this modeling did not meet the statistical confidence thresholds required to predict the impact of this variant on CARD14 protein function. Algorithms developed to predict the effect of sequence changes on RNA splicing suggest that this variant may create or strengthen a splice site. In summary, the available evidence is currently insufficient to determine the role of this variant in disease. Therefore, it has been classified as a Variant of Uncertain Significance.

NM_001366385.1(CARD14):c.2836G>C (p.Glu946Gln)

Genes: SGSH (N-sulfoglucosamine sulfohydrolase; minus strand), CARD14 (caspase recruitment domain family member 14; plus strand). Cytogenetic location: 17q25.3.
Variant type: single nucleotide variant.
Coding change: c.2836G>C on transcript NM_001366385.1 (MANE Select); coding-DNA position 2836, G replaced by C.
Protein change: p.Glu946Gln; replaces glutamic acid 946 with glutamine.
Molecular consequence: missense variant. On other transcripts: non-coding transcript variant (1).
Genome position (GRCh38, 1-based): chr17:80,208,166, G>C. VCF-style: chr17-80208166-G-C. GRCh37 (hg19) VCF-style: chr17-78181965-G-C.
Other names: c.2836G>C, p.Glu946Gln (NM_024110.4); short protein forms E946Q.
Identifiers: ClinVar variation 1484126 (VCV001484126.6), dbSNP rs752281368, ClinGen allele CA8817493.